The following is an entry in ClinVar:

ClinVar aggregate classification (germline): Conflicting classifications of pathogenicity. Review status: criteria provided, conflicting classifications (1 of 4 stars). 2 submissions from 2 submitters: Uncertain significance (1); Likely benign (1). Last evaluated 2024-09-20.

Conditions:
Beta-D-mannosidosis (MANSB). Also called: MANNOSIDOSIS, BETA A, LYSOSOMAL; BETA-MANNOSIDASE DEFICIENCY; LYSOSOMAL BETA-MANNOSIDASE DEFICIENCY; Beta-Mannosidosis. Identifiers: Orphanet 118, MedGen C4048196, MONDO:0009562, OMIM 248510.

Allele frequency attached by ClinVar (database versions not stated): gnomAD 0.00005 and 0.00001; 1000 Genomes Project 30x 0.00016; 1000 Genomes Project 0.00020; TOPMed 0.00003; ESP Exome Variant Server 0.00008; gnomAD exomes 0.00026 and 0.00014; ExAC 0.00033.
gnomAD v4.1: 204 of 1,564,554 alleles (0.013%); highest among the groups gnomAD compares: South Asian, 0.2%; no homozygotes.

Submissions (2):

3billion
Classification: Likely benign for Beta-D-mannosidosis. Last evaluated: 2024-09-20. Review status: criteria provided, single submitter. Criteria: ACMG Guidelines, 2015. Collection method: clinical testing. Allele origin: germline. Affected: no.
Comment: The homozygous variant was found in patients diagnosed with another variant in a different gene, with no symptoms related to the gene containing the homozygous variant.

Labcorp Genetics (formerly Invitae), Labcorp
Classification: Uncertain significance for Beta-D-mannosidosis. Last evaluated: 2022-08-09. Review status: criteria provided, single submitter. Criteria: Invitae Variant Classification Sherloc (09022015). Collection method: clinical testing. Allele origin: germline.
Comment: This sequence change replaces arginine, which is basic and polar, with tryptophan, which is neutral and slightly polar, at codon 373 of the MANBA protein (p.Arg373Trp). This variant is present in population databases (rs369478532, gnomAD 0.2%). This variant has not been reported in the literature in individuals affected with MANBA-related conditions. ClinVar contains an entry for this variant (Variation ID: 850663). Algorithms developed to predict the effect of missense changes on protein structure and function output the following: SIFT: "Tolerated"; PolyPhen-2: "Benign"; Align-GVGD: "Class C0". The tryptophan amino acid residue is found in multiple mammalian species, which suggests that this missense change does not adversely affect protein function. In summary, the available evidence is currently insufficient to determine the role of this variant in disease. Therefore, it has been classified as a Variant of Uncertain Significance.

NM_005908.4(MANBA):c.1117C>T (p.Arg373Trp)

Gene: MANBA (mannosidase beta; minus strand). Cytogenetic location: 4q24.
Variant type: single nucleotide variant.
Coding change: c.1117C>T on transcript NM_005908.4 (MANE Select); coding-DNA position 1117, C replaced by T.
Protein change: p.Arg373Trp; replaces arginine 373 with tryptophan.
Molecular consequence: missense variant.
Genome position (GRCh38, 1-based): chr4:102,671,394, G>A on the plus strand (C>T on the coding strand, the complement: MANBA is on the minus strand). VCF-style: chr4-102671394-G-A. GRCh37 (hg19) VCF-style: chr4-103592551-G-A.
Other names: short protein forms R373W.
Identifiers: ClinVar variation 850663 (VCV000850663.5), dbSNP rs369478532, ClinGen allele CA3026999.